The following is an entry in ClinVar:

NM_000059.4(BRCA2):c.9257-6626C>T

Gene: BRCA2 (BRCA2 DNA repair associated; plus strand). Cytogenetic location: 13q13.1.
Variant type: single nucleotide variant.
Coding change: c.9257-6626C>T on transcript NM_000059.4 (MANE Select); 6626 bases into the intron before coding-DNA position 9257, C replaced by T.
Molecular consequence: intron variant.
Genome position (GRCh38, 1-based): chr13:32,388,063, C>T. VCF-style: chr13-32388063-C-T. GRCh37 (hg19) VCF-style: chr13-32962200-C-T.
Other names: IVS 24-6626C>T.
Identifiers: ClinVar variation 209880 (VCV000209880.1), dbSNP rs187910413, ClinGen allele CA276848.

ClinVar aggregate classification (germline): Benign (3 of 4 stars; one submission).

Conditions:
Breast-ovarian cancer, familial, susceptibility to, 2 (BROVCA2). Also called: BRCA2 Hereditary Breast and Ovarian Cancer. Identifiers: Orphanet 145, MedGen C2675520, MONDO:0012933, OMIM 612555. Disease mechanism: loss of function.

Allele frequency attached by ClinVar (database versions not stated): gnomAD 0.00126 and 0.00141; TOPMed 0.00139; 1000 Genomes Project 0.00140; 1000 Genomes Project 30x 0.00172.
gnomAD v4.1: 191 of 151,842 alleles (0.13%); highest among the groups gnomAD compares: African/African-American, 0.43%; no homozygotes.

Submission:

Evidence-based Network for the Interpretation of Germline Mutant Alleles (ENIGMA)
Classification: Benign for Breast-ovarian cancer, familial 2. Last evaluated: 2015-01-12. Review status: reviewed by expert panel. Criteria: ENIGMA BRCA1/2 Classification Criteria (2015). Collection method: curation. Allele origin: germline.
Comment: Class 1 not pathogenic based on frequency >1% in an outbred sampleset. Frequency 0.01016 (African), derived from 1000 genomes (2012-04-30).